The following is an entry in ClinVar:

ClinVar aggregate classification (germline): Uncertain significance (0 of 4 stars; one submission).

Conditions:
SPTB-related disorder. Also called: SPTB-related condition; SPTB-Related Disorders.

Submission:

PreventionGenetics, part of Exact Sciences
Classification: Uncertain significance for SPTB-related condition. Last evaluated: 2024-08-26. Review status: no assertion criteria provided. Collection method: clinical testing. Allele origin: germline.
Comment: The SPTB c.4120_4121delinsTG variant is predicted to result in an in-frame deletion and insertion. To our knowledge, this variant has not been reported in the literature or in a large population database, indicating this variant is rare. At this time, the clinical significance of this variant is uncertain due to the absence of conclusive functional and genetic evidence.

NM_001355436.2(SPTB):c.4120_4121inv (p.His1374Cys)

Gene: SPTB (spectrin beta, erythrocytic; minus strand). Cytogenetic location: 14q23.3.
Variant type: Inversion.
Coding change: c.4120_4121inv on transcript NM_001355436.2 (MANE Select).
Protein change: p.His1374Cys; replaces histidine 1374 with cysteine.
Molecular consequence: missense variant.
Genome position: GRCh38 VCF-style: chr14-64782435-TG-CA. GRCh37 (hg19) VCF-style: chr14-65249153-TG-CA.
Other names: c.4120_4121inv, p.His1374Cys (NM_001024858.4, NM_001355437.2); short protein forms H1374C.
Identifiers: ClinVar variation 3345923 (VCV003345923.1).
Genomic context (GRCh38, chr14:64,782,435, plus strand): 5'-CACTTGTTGAGGTCAGCATGGGTCTGCAAGCGCAGGTCGGAGCTCCTGGCAGCCGAGAGG[TG>CA]CTGGGTCTTCTCCTTTGTGGTGGCCTGCAGCTCGTCCCAGAGCCGGTGCAGGGCTTCCAG-3'
Protein context (NP_001342365.1, residues 1364-1384): LQATTKEKTQ[His1374Cys]LSAARSSDLR